The following is an entry in ClinVar:

NM_015294.6(TRIM37):c.810-2A>G

Gene: TRIM37 (tripartite motif containing 37; minus strand). Cytogenetic location: 17q22.
Variant type: single nucleotide variant.
Coding change: c.810-2A>G on transcript NM_015294.6 (MANE Select); the canonical splice acceptor site of the intron before coding-DNA position 810, A replaced by G.
Molecular consequence: splice acceptor variant. On other transcripts: intron variant (1).
Genome position (GRCh38, 1-based): chr17:59,064,407, T>C on the plus strand (A>G on the coding strand, the complement: TRIM37 is on the minus strand). VCF-style: chr17-59064407-T-C. GRCh37 (hg19) VCF-style: chr17-57141768-T-C.
Other names: c.810-2A>G (NM_001320989.3, NM_001005207.5, NM_001320988.3 and 1 more transcripts); c.348-2A>G (NM_001353085.2); c.708-2A>G (NM_001320987.3, NM_001353082.2); c.810-1759A>G (NM_001353086.2); c.75-2A>G (NM_001353083.2); c.444-2A>G (NM_001320990.3).
Identifiers: ClinVar variation 4279594 (VCV004279594.1).

ClinVar aggregate classification (germline): Likely pathogenic (1 of 4 stars; one submission).

Conditions:
Mulibrey nanism syndrome. Also called: MUSCLE-LIVER-BRAIN-EYE NANISM; PERHEENTUPA SYNDROME; PERICARDIAL CONSTRICTION AND GROWTH FAILURE. Identifiers: Orphanet 2576, MedGen C0524582, MONDO:0009664, OMIM 253250.

gnomAD v4.1: 1 of 1,257,852 alleles (0.00008%); highest among the groups gnomAD compares: Non-Finnish European, 0.00011%; no homozygotes.

Submission:

Diagnostics Services (NGS), CSIR - Centre For Cellular And Molecular Biology
Classification: Likely pathogenic for Mulibrey nanism syndrome. Last evaluated: 2025-08-12. Review status: criteria provided, single submitter. Criteria: ACMG Guidelines, 2015. Collection method: clinical testing. Allele origin: germline. Affected: yes. Observed: 1 variant allele, 1 homozygote.
Comment: The c.810-2A>G variant is not present in 1000 Genomes, EVS, gnomAD, Indian Exome Database or our internal database. This variant has neither been published in the literature for TRIM37-related conditions nor reported to clinical databases like Human Genome Mutation database (HGMD), OMIM, or ClinVar in any affected individuals. Algorithms developed to predict the effect of sequence changes on RNA splicing suggest that this variant can disrupt the consensus splice site. In-silico pathogenicity prediction programs like HSF3.1, MutationTaster2, CADD, Varsome etc predicted the variant to be likely deleterious, however these predictions were not confirmed by published functional/translational studies.